The following is an entry in ClinVar:

ClinVar aggregate classification (germline): Uncertain significance (1 of 4 stars; one submission).

Submission:

Labcorp Genetics (formerly Invitae), Labcorp
Classification: Uncertain significance. Last evaluated: 2023-11-26. Review status: criteria provided, single submitter. Criteria: Invitae Variant Classification Sherloc (09022015). Collection method: clinical testing. Allele origin: germline.
Comment: This sequence change replaces leucine, which is neutral and non-polar, with isoleucine, which is neutral and non-polar, at codon 611 of the FAM65B protein (p.Leu611Ile). This variant is not present in population databases (gnomAD no frequency). This variant has not been reported in the literature in individuals affected with FAM65B-related conditions. An algorithm developed to predict the effect of missense changes on protein structure and function (PolyPhen-2) suggests that this variant is likely to be disruptive. In summary, the available evidence is currently insufficient to determine the role of this variant in disease. Therefore, it has been classified as a Variant of Uncertain Significance.

NM_001286445.3(RIPOR2):c.1768C>A (p.Leu590Ile)

Gene: RIPOR2 (RHO family interacting cell polarization regulator 2; minus strand). Cytogenetic location: 6p22.3.
Variant type: single nucleotide variant.
Coding change: c.1768C>A on transcript NM_001286445.3 (MANE Select); coding-DNA position 1768, C replaced by A.
Protein change: p.Leu590Ile; replaces leucine 590 with isoleucine.
Molecular consequence: missense variant.
Genome position (GRCh38, 1-based): chr6:24,842,951, G>T on the plus strand (C>A on the coding strand, the complement: RIPOR2 is on the minus strand). VCF-style: chr6-24842951-G-T. GRCh37 (hg19) VCF-style: chr6-24843179-G-T.
Other names: c.1783C>A, p.Leu595Ile (NM_001286446.3); c.1681C>A, p.Leu561Ile (NM_001286447.2, NM_001346031.2, NM_001346032.2 and 1 more transcripts); c.1831C>A, p.Leu611Ile (NM_014722.5); short protein forms L590I, L561I, L595I, L611I.
Identifiers: ClinVar variation 2695954 (VCV002695954.3), dbSNP rs750548750, ClinGen allele CA362993598.